The following is an entry in ClinVar:

ClinVar aggregate classification (germline): Pathogenic. Review status: criteria provided, multiple submitters, no conflicts (2 of 4 stars). 2 submissions from 2 submitters: Pathogenic (2). Last evaluated 2023-12-08.

Submissions (2):

Labcorp Genetics (formerly Invitae), Labcorp
Classification: Pathogenic. Last evaluated: 2023-12-08. Review status: criteria provided, single submitter. Criteria: Invitae Variant Classification Sherloc (09022015). Collection method: clinical testing. Allele origin: germline.
Comment: This sequence change creates a premature translational stop signal (p.Cys179*) in the WISP3 gene. It is expected to result in an absent or disrupted protein product. Loss-of-function variants in WISP3 are known to be pathogenic (PMID: 22791401). This variant is not present in population databases (gnomAD no frequency). This premature translational stop signal has been observed in individual(s) with progressive pseudorheumatoid dysplasia (PMID: 16152649). ClinVar contains an entry for this variant (Variation ID: 987336). For these reasons, this variant has been classified as Pathogenic.

Institute of Medical Genetics and Applied Genomics, University Hospital Tübingen
Classification: Pathogenic. Last evaluated: 2020-10-23. Review status: criteria provided, single submitter. Criteria: ACMG Guidelines, 2015. Collection method: clinical testing. Allele origin: germline. Inheritance: Autosomal recessive inheritance. Affected: yes.

Literature cited by the submitters: PubMed 22791401 (cited by Labcorp Genetics (formerly Invitae), Labcorp); PubMed 16152649 (cited by Labcorp Genetics (formerly Invitae), Labcorp).

NM_198239.2(CCN6):c.536_537del (p.Asn178_Cys179insTer)

Gene: CCN6 (cellular communication network factor 6; plus strand). Cytogenetic location: 6q21.
Variant type: Deletion.
Coding change: c.536_537del on transcript NM_198239.2 (MANE Select); coding-DNA positions 536 to 537, 2 bases deleted (GT; older notation c.536_537delGT).
Protein change: p.Asn178_Cys179insTer.
Molecular consequence: nonsense. On other transcripts: non-coding transcript variant (2).
Genome position (GRCh38, 1-based): chr6:112,064,944-112,064,945, GT deleted; deleting any 2 consecutive bases within chr6:112,064,943-112,064,945 gives the same sequence; the c. name uses the placement nearest the transcript's 3' end. VCF-style (leftmost placement, unchanged base first): chr6-112064942-CTG-C. GRCh37 (hg19) VCF-style: chr6-112386145-CTG-C.
Other names: c.536_537del, p.Asn178_Cys179insTer (NM_003880.4).
Identifiers: ClinVar variation 987336 (VCV000987336.5), dbSNP rs1776635075, ClinGen allele CA1139659775.
Genomic context (GRCh38, chr6:112,064,942, plus strand): 5'-AAAGCTGGCTGGCAGTCACTGCTCTGGAGCTAAAGGTGGAAAGAAGTCTGATCAGTCAAA[CTG>C]TAGCCTGGAACCATTACTACAGCAGCTTTCAACAAGCTACAAAACAATGCCAGGTGCTCA-3'